The following is an entry in ClinVar:

ClinVar aggregate classification (germline): Uncertain significance (1 of 4 stars; one submission).

Conditions:
Asphyxiating thoracic dystrophy 5 (SRTD5). Also called: SHORT-RIB THORACIC DYSPLASIA 5 WITH OR WITHOUT POLYDACTYLY; SHORT-RIB THORACIC DYSPLASIA 5 WITHOUT POLYDACTYLY. Identifiers: Orphanet 474, MedGen C3280598, MONDO:0013717, OMIM 614376.
Senior-Loken syndrome 8 (SLSN8). Identifiers: Orphanet 3156, MedGen C4225376, MONDO:0014579, OMIM 616307.

Submission:

Labcorp Genetics (formerly Invitae), Labcorp
Classification: Uncertain significance for Senior-Loken syndrome 8; Asphyxiating thoracic dystrophy 5. Last evaluated: 2025-10-13. Review status: criteria provided, single submitter. Criteria: Invitae Variant Classification Sherloc (09022015). Collection method: clinical testing. Allele origin: germline.
Comment: This sequence change replaces alanine, which is neutral and non-polar, with threonine, which is neutral and polar, at codon 917 of the WDR19 protein (p.Ala917Thr). This variant is not present in population databases (gnomAD no frequency). This missense change has been observed in individual(s) with clinical features of retinitis pigmentosa (internal data). ClinVar contains an entry for this variant (Variation ID: 1969317). Invitae Evidence Modeling of protein sequence and biophysical properties (such as structural, functional, and spatial information, amino acid conservation, physicochemical variation, residue mobility, and thermodynamic stability) has been performed for this missense variant. However, the output from this modeling did not meet the statistical confidence thresholds required to predict the impact of this variant on WDR19 protein function. In summary, the available evidence is currently insufficient to determine the role of this variant in disease. Therefore, it has been classified as a Variant of Uncertain Significance.

NM_025132.4(WDR19):c.2749G>A (p.Ala917Thr)

Gene: WDR19 (WD repeat domain 19; plus strand). Cytogenetic location: 4p14.
Variant type: single nucleotide variant.
Coding change: c.2749G>A on transcript NM_025132.4 (MANE Select); coding-DNA position 2749, G replaced by A.
Protein change: p.Ala917Thr; replaces alanine 917 with threonine.
Molecular consequence: missense variant.
Genome position (GRCh38, 1-based): chr4:39,253,165, G>A. VCF-style: chr4-39253165-G-A. GRCh37 (hg19) VCF-style: chr4-39254785-G-A.
Other names: c.2269G>A, p.Ala757Thr (NM_001317924.2); short protein forms A757T, A917T.
Identifiers: ClinVar variation 1969317 (VCV001969317.5), dbSNP rs2475315483, ClinGen allele CA356641144.